The following is an entry in ClinVar:

ClinVar aggregate classification (germline): Pathogenic/Likely pathogenic. Review status: criteria provided, multiple submitters, no conflicts (2 of 4 stars). 2 submissions from 2 submitters: Pathogenic (1); Likely pathogenic (1). Last evaluated 2025-04-30.

Conditions:
Hereditary cancer-predisposing syndrome. Also called: Neoplastic Syndromes, Hereditary; Tumor predisposition; Hereditary neoplastic syndrome; Hereditary Cancer Syndrome. Identifiers: Orphanet 140162, MedGen C0027672, MeSH D009386, MONDO:0015356.
Retinoblastoma (RB1). Also called: RETINOBLASTOMA, SOMATIC. Identifiers: Orphanet 790, MedGen C0035335, MeSH D012175, MONDO:0008380, OMIM 180200, HP:0009919. Disease mechanism: loss of function. Inheritance: Both sporadic and heritable forms are tested..

Submissions (2):

Ambry Genetics
Classification: Likely pathogenic for Hereditary cancer-predisposing syndrome. Last evaluated: 2025-04-30. Review status: criteria provided, single submitter. Criteria: Ambry Variant Classification Scheme 2023. Collection method: clinical testing. Allele origin: germline.
Comment: The c.607+1delG intronic variant results from a deletion of 1 nucleotide at position c.607+1 and involves the canonical splice donor site after coding exon 6 of the RB1 gene. This variant is considered to be rare based on population cohorts in the Genome Aggregation Database (gnomAD). The canonical splice donor site is highly conserved in available vertebrate species. In silico splice site analysis predicts that this alteration will weaken the native splice donor site and will result in the creation or strengthening of a novel splice donor site. Alterations that disrupt the canonical splice site are expected to cause aberrant splicing, resulting in an abnormal protein or a transcript that is subject to nonsense-mediated mRNA decay. As such, this alteration is classified as likely pathogenic.

Genetic Diagnostic Laboratory, University of Pennsylvania School of Medicine
Classification: Pathogenic for Retinoblastoma. Last evaluated: 2024-05-20. Review status: criteria provided, single submitter. Criteria: ACMG Guidelines, 2015. Collection method: clinical testing. Allele origin: germline. Affected: yes. Observed: 1 variant allele.
Comment: Case and Pedigree Information: BILATERAL CASES:1, UNILATERAL CASES:0, TOTAL CASES:1, PEDIGREES:1. ACMG Codes Applied:PVS1, PM2

NM_000321.3(RB1):c.607+1del

Gene: RB1 (RB transcriptional corepressor 1; plus strand). Cytogenetic location: 13q14.2.
Variant type: Deletion.
Coding change: c.607+1del on transcript NM_000321.3 (MANE Select); the canonical splice donor site of the intron after coding-DNA position 607, one base deleted (G; older notation c.607+1delG).
Molecular consequence: splice donor variant.
Genome position (GRCh38, 1-based): chr13:48,349,024, G deleted; the last of 2 consecutive G bases (chr13:48,349,023-48,349,024); deleting either gives the same sequence. VCF-style (leftmost placement, unchanged base first): chr13-48349022-AG-A. GRCh37 (hg19) VCF-style: chr13-48923158-AG-A.
Other names: c.607+1del (NM_001407165.1, NM_001407166.1); c.607+1delG (NM_000321.2).
Identifiers: ClinVar variation 3237139 (VCV003237139.2), dbSNP rs2542166069.